The following is an entry in ClinVar:

ClinVar aggregate classification (germline): Likely pathogenic (1 of 4 stars; one submission).

Conditions:
Intellectual developmental disorder with autism and macrocephaly. Also called: Autism, susceptibility to, 18; CHD8-Related Neurodevelopmental Disorder with Overgrowth. Identifiers: Orphanet 642675, MedGen C3554373, MONDO:0014017, OMIM 615032.

Submission:

Greenwood Genetic Center Diagnostic Laboratories, Greenwood Genetic Center
Classification: Likely pathogenic for Intellectual developmental disorder with autism and macrocephaly. Last evaluated: 2025-02-27. Review status: criteria provided, single submitter. Criteria: ACMG Guidelines, 2015. Collection method: clinical testing. Allele origin: germline. Affected: yes.
Comment: PVS1, PM2

NM_001170629.2(CHD8):c.1328del (p.Lys443fs)

Gene: CHD8 (chromodomain helicase DNA binding protein 8; minus strand). Cytogenetic location: 14q11.2.
Variant type: Deletion.
Coding change: c.1328del on transcript NM_001170629.2 (MANE Select); coding-DNA position 1328, one base deleted (A; older notation c.1328delA).
Protein change: p.Lys443fs; shifts the reading frame from lysine 443.
Molecular consequence: frameshift variant.
Genome position (GRCh38, 1-based): chr14:21,428,142, T deleted on the plus strand (A on the coding strand, the reverse complement: CHD8 is on the minus strand); the first of 3 consecutive T bases (chr14:21,428,142-21,428,144); deleting any one gives the same sequence. VCF-style (leftmost placement, unchanged base first): chr14-21428141-CT-C. GRCh37 (hg19) VCF-style: chr14-21896300-CT-C.
Other names: c.491del, p.Lys164fs (NM_020920.4); short protein forms K164fs, K443fs.
Identifiers: ClinVar variation 4850821 (VCV004850821.1).
Genomic context (GRCh38, chr14:21,428,141, plus strand): 5'-CCGATTTGCTTTCTCTTGCTTCTTCTGGTGTTCCAATCTGCGGTTTTCCTCCATTCCTGT[CT>C]TTCCCCCCGAATGAGGAGCAGAGCTTGCTGGTGATGACAAAGCTGCCACTTCACTGGCAC-3'